The following is an entry in ClinVar:

ClinVar aggregate classification (germline): Pathogenic/Likely pathogenic. Review status: criteria provided, multiple submitters, no conflicts (2 of 4 stars). 5 submissions from 5 submitters: Pathogenic (2); Likely pathogenic (2). 1 of the submissions does not count toward it. Last evaluated 2025-10-20.

Conditions:
Autosomal recessive nonsyndromic hearing loss 1A (DFNB1A). Also called: GJB2-Related Autosomal Recessive Nonsyndromic Hearing Loss; GJB6-Related DFNB 1 Nonsyndromic Hearing Loss and Deafness; Connexin 26 deafness; Deafness nonsyndromic, Connexin 26 linked; Nonsyndromic Hearing Loss and Deafness, DFNB1; Deafness, autosomal recessive 1A. Identifiers: Orphanet 90636, MedGen C2673759, MONDO:0009076, OMIM 220290.

Allele frequency attached by ClinVar (database versions not stated): gnomAD exomes 0.00001 and 0.00003; gnomAD 0.00001 and 0.00003; TOPMed below 0.00001.

Submissions (5):

Natera, Inc.
Classification: Pathogenic for Autosomal recessive deafness type 1A. Last evaluated: 2025-10-20. Review status: criteria provided, single submitter. Criteria: Natera Variant Classification Schema (03/2026). Collection method: clinical testing. Allele origin: germline.
Comment: The c.408C>A variant in GJB2 is a nonsense variant predicted to introduce a stop codon at amino acid 136. This variant is expected to result in nonsense mediated decay, truncation, or a dysfunctional protein product. This variant is rare in the general population with a frequency below the threshold expected for the associated phenotype(s). This variant has been observed in one or more individuals affected with the associated recessive disease, as either homozygous or compound heterozygous with a second variant (PMID: 33928925, 26668150, 10633133, 20154630). Additionally, this variant has been observed to segregate in affected family members (PMID: 10633133). Given the available evidence, this variant is classified as Pathogenic.

GeneDx
Classification: Likely pathogenic. Last evaluated: 2025-03-04. Review status: criteria provided, single submitter. Criteria: GeneDx Variant Classification Process June 2021. Collection method: clinical testing. Allele origin: germline.
Comment: Commonly found in cis with p.(G45E) which is associated with autosomal dominant KID syndrome when seen alone; p.(Y136*) is associated with autosomal recessive nonsyndromic hearing loss whether alone or with p.(G45E) on the same allele (PMID: 24785414, 27761313); Identified on the same allele (in cis) with p.(G45E), either in the homozygous state or with a pathogenic variant on the opposite allele, in multiple unrelated patients with sensorineural hearing loss in the literature (PMID: 10501520, 20497192, 21112098); Nonsense variant predicted to result in protein truncation, as the last 91 amino acid(s) are lost, and other loss-of-function variants have been reported downstream in HGMD; This variant is associated with the following publications: (PMID: 33780732, 26763877, 31160754, 38069086, 36048236, 34642141, 18941476, 17666888, 12560944, 27792752, 29605341, 25587757, 26668150, 24785414, 10501520, 21112098, 10633133, 20497192, 10607953, 38730444, 34599366, 27761313)

Revvity Omics, Revvity
Classification: Likely pathogenic. Last evaluated: 2024-11-22. Review status: criteria provided, single submitter. Criteria: ACMG Guidelines, 2015. Collection method: clinical testing. Allele origin: germline.

Labcorp Genetics (formerly Invitae), Labcorp
Classification: Pathogenic. Last evaluated: 2023-11-28. Review status: criteria provided, single submitter. Criteria: Invitae Variant Classification Sherloc (09022015). Collection method: clinical testing. Allele origin: germline.
Comment: This sequence change creates a premature translational stop signal (p.Tyr136*) in the GJB2 gene. While this is not anticipated to result in nonsense mediated decay, it is expected to disrupt the last 91 amino acid(s) of the GJB2 protein. This variant is present in population databases (rs786204690, gnomAD 0.003%). This premature translational stop signal has been observed in individuals with autosomal recessive non-syndromic deafness. While this variant is commonly found in cis with p.Gly45Glu, it has also been observed without p.Gly45Glu in affected individuals and is expected to be causative for autosomal recessive non-syndromic deafness whether p.Gly45Glu is present or not (PMID: 10501520, 10607953, 20497192, 21112098). ClinVar contains an entry for this variant (Variation ID: 189092). This variant disrupts a region of the GJB2 protein in which other variant(s) (p.Leu213*) have been determined to be pathogenic (PMID: 23141775). This suggests that this is a clinically significant region of the protein, and that variants that disrupt it are likely to be disease-causing. For these reasons, this variant has been classified as Pathogenic.

Counsyl
Classification: Likely pathogenic for Deafness, autosomal recessive 1A. Last evaluated: 2014-12-13. Review status: no assertion criteria provided. Collection method: literature only. Allele origin: unknown. Inheritance: Autosomal recessive inheritance. Not counted in ClinVar's aggregate classification.

Literature cited by the submitters: PubMed 33928925 (cited by Natera, Inc.); PubMed 26668150 (cited by Natera, Inc.); PubMed 10633133 (cited by Natera, Inc. and Counsyl); PubMed 20154630 (cited by Natera, Inc.); PubMed 10501520 (cited by Labcorp Genetics (formerly Invitae), Labcorp and Counsyl); PubMed 10607953 (cited by Labcorp Genetics (formerly Invitae), Labcorp); PubMed 20497192 (cited by Labcorp Genetics (formerly Invitae), Labcorp); PubMed 21112098 (cited by Labcorp Genetics (formerly Invitae), Labcorp); PubMed 23141775 (cited by Labcorp Genetics (formerly Invitae), Labcorp); PubMed 17666888 (cited by Counsyl); PubMed 12560944 (cited by Counsyl); PubMed 18941476 (cited by Counsyl).

NM_004004.6(GJB2):c.408C>A (p.Tyr136Ter)

Gene: GJB2 (gap junction protein beta 2; minus strand). Cytogenetic location: 13q12.11.
Variant type: single nucleotide variant.
Coding change: c.408C>A on transcript NM_004004.6 (MANE Select); coding-DNA position 408, C replaced by A.
Protein change: p.Tyr136Ter; replaces tyrosine 136 with a stop codon.
Molecular consequence: nonsense.
Genome position (GRCh38, 1-based): chr13:20,189,174, G>T on the plus strand (C>A on the coding strand, the complement: GJB2 is on the minus strand). VCF-style: chr13-20189174-G-T. GRCh37 (hg19) VCF-style: chr13-20763313-G-T.
Other names: short protein forms Y136*.
Identifiers: ClinVar variation 189092 (VCV000189092.13), dbSNP rs786204690, ClinGen allele CA274369.
Genomic context (GRCh38, chr13:20,189,174, plus strand): 5'-GACATAGAAGACGTACATGAAGGCGGCTTCGAAGATGACCCGGAAGAAGATGCTGCTTGT[G>T]TAGGTCCACCACAGGGAGCCTTCGATGCGGACCTTCTGGGTTTTGATCTCCTCGATGTCC-3'